The following is an entry in ClinVar:

NM_001110556.2(FLNA):c.720+13G>A

Gene: FLNA (filamin A; minus strand). Cytogenetic location: Xq28.
Variant type: single nucleotide variant.
Coding change: c.720+13G>A on transcript NM_001110556.2 (MANE Select); 13 bases into the intron after coding-DNA position 720, G replaced by A.
Molecular consequence: intron variant.
Genome position (GRCh38, 1-based): chrX:154,367,628, C>T on the plus strand (G>A on the coding strand, the complement: FLNA is on the minus strand). VCF-style: chrX-154367628-C-T. GRCh37 (hg19) VCF-style: chrX-153595996-C-T.
Other names: c.720+13G>A (NM_001456.4).
Identifiers: ClinVar variation 507059 (VCV000507059.9), dbSNP rs782041343, ClinGen allele CA10561375.

ClinVar aggregate classification (germline): Likely benign. Review status: criteria provided, multiple submitters, no conflicts (2 of 4 stars). 2 submissions from 2 submitters: Likely benign (2). Last evaluated 2025-12-17.

Conditions:
Melnick-Needles syndrome (MNS). Also called: MELNICK-NEEDLES OSTEODYSPLASTY; Melnick-Needles Syndrome (FLNA-MNS); OSTEODYSPLASTY OF MELNICK AND NEEDLES. Identifiers: Orphanet 2484, MedGen C0025237, MONDO:0010650, OMIM 309350.
Frontometaphyseal dysplasia (FMD1). Identifiers: Orphanet 1826, MedGen C0265293, MONDO:0015942.
Heterotopia, periventricular, X-linked dominant (PVNH1). Also called: PERIVENTRICULAR NODULAR HETEROTOPIA 4; HETEROTOPIA, PERIVENTRICULAR, 1; PERIVENTRICULAR NODULAR HETEROTOPIA 1; X-linked periventricular heterotopia. Identifiers: Orphanet 2149, Orphanet 82004, MedGen C1848213, MONDO:0010233, OMIM 300049.
Oto-palato-digital syndrome, type II (OPD2). Also called: Otopalatodigital Syndrome Type 2 (FLNA-OPD2); FACIOPALATOOSSEOUS SYNDROME; OPD II SYNDROME; Otopalatodigital Syndrome, Type II. Identifiers: Orphanet 669, Orphanet 90652, MedGen C1844696, MONDO:0010571, OMIM 304120.

Allele frequency attached by ClinVar (database versions not stated): gnomAD exomes 0.00002; TOPMed 0.00002; ExAC 0.00005; gnomAD 0.00001 and 0.00002.
gnomAD v4.1: 20 of 1,209,547 alleles (0.0017%); highest among the groups gnomAD compares: Middle Eastern, 0.046%; no homozygotes.

Submissions (2):

Labcorp Genetics (formerly Invitae), Labcorp
Classification: Likely benign for Oto-palato-digital syndrome, type II; Heterotopia, periventricular, X-linked dominant; Frontometaphyseal dysplasia; Melnick-Needles syndrome. Last evaluated: 2025-12-17. Review status: criteria provided, single submitter. Criteria: Invitae Variant Classification Sherloc (09022015). Collection method: clinical testing. Allele origin: germline.

GeneDx
Classification: Likely benign. Last evaluated: 2017-01-30. Review status: criteria provided, single submitter. Criteria: GeneDx Variant Classification (06012015). Collection method: clinical testing. Allele origin: germline. Affected: yes.
Comment: This variant is considered likely benign or benign based on one or more of the following criteria: it is a conservative change, it occurs at a poorly conserved position in the protein, it is predicted to be benign by multiple in silico algorithms, and/or has population frequency not consistent with disease.